The following is an entry in ClinVar:

NM_198060.4(NRAP):c.4330G>A (p.Glu1444Lys)

Gene: NRAP (nebulin related anchoring protein; minus strand). Cytogenetic location: 10q25.3.
Variant type: single nucleotide variant.
Coding change: c.4330G>A on transcript NM_198060.4 (MANE Select); coding-DNA position 4330, G replaced by A.
Protein change: p.Glu1444Lys; replaces glutamic acid 1444 with lysine.
Molecular consequence: missense variant.
Genome position (GRCh38, 1-based): chr10:113,597,971, C>T on the plus strand (G>A on the coding strand, the complement: NRAP is on the minus strand). VCF-style: chr10-113597971-C-T. GRCh37 (hg19) VCF-style: chr10-115357730-C-T.
Other names: c.4330G>A (NM_198060.3); c.4330G>A, p.Glu1444Lys (NM_001261463.2); c.4222G>A, p.Glu1408Lys (NM_001322945.2); c.4225G>A, p.Glu1409Lys (NM_006175.5); short protein forms E1409K, E1408K, E1444K.
Identifiers: ClinVar variation 734954 (VCV000734954.8), dbSNP rs35222761, ClinGen allele CA5694475.

ClinVar aggregate classification (germline): Likely benign. Review status: criteria provided, multiple submitters, no conflicts (2 of 4 stars). 4 submissions from 4 submitters: Likely benign (3). 1 of the submissions does not count toward it. Last evaluated 2026-03-27.

Conditions:
NRAP-related disorder. Also called: NRAP-related condition.

Allele frequency attached by ClinVar (database versions not stated): gnomAD exomes 0.00033 and 0.00013; 1000 Genomes Project 30x 0.00109; TOPMed 0.00162; gnomAD 0.00152 and 0.00165; ESP Exome Variant Server 0.00123; ExAC 0.00041; 1000 Genomes Project 0.00100.

Submissions (4):

Molecular Diagnostic Laboratory for Inherited Cardiovascular Disease, Montreal Heart Institute
Classification: Likely benign. Last evaluated: 2026-03-27. Review status: criteria provided, single submitter. Criteria: ACMG Guidelines, 2015. Collection method: clinical testing. Allele origin: germline. Affected: no.
Comment: BS1, BP6

Labcorp Genetics (formerly Invitae), Labcorp
Classification: Likely benign. Last evaluated: 2018-05-24. Review status: criteria provided, single submitter. Criteria: Invitae Variant Classification Sherloc (09022015). Collection method: clinical testing. Allele origin: germline.

Breakthrough Genomics
Classification: Likely benign. Review status: criteria provided, single submitter. Criteria: ACMG Guidelines, 2015. Collection method: not provided. Allele origin: germline. Inheritance: Unknown mechanism. Affected: yes.

PreventionGenetics, part of Exact Sciences
Classification: Likely benign for NRAP-related condition. Last evaluated: 2023-05-21. Review status: no assertion criteria provided. Collection method: clinical testing. Allele origin: germline. Not counted in ClinVar's aggregate classification.
Comment: This variant is classified as likely benign based on ACMG/AMP sequence variant interpretation guidelines (Richards et al. 2015 PMID: 25741868, with internal and published modifications).